The following is an entry in ClinVar:

ClinVar aggregate classification (germline): Uncertain significance (1 of 4 stars; one submission).

Submission:

Ambry Genetics
Classification: Uncertain significance. Last evaluated: 2025-09-29. Review status: criteria provided, single submitter. Criteria: Ambry Variant Classification Scheme 2023. Collection method: clinical testing. Allele origin: germline.
Comment: The p.G10A variant (also known as c.29G>C), located in coding exon 1 of the RAD51B gene, results from a G to C substitution at nucleotide position 29. The glycine at codon 10 is replaced by alanine, an amino acid with similar properties. This amino acid position is conserved. In addition, this alteration is predicted to be tolerated by in silico analysis. Based on the available evidence, the clinical significance of this variant remains unclear.

NM_133510.4(RAD51B):c.29G>C (p.Gly10Ala)

Gene: RAD51B (RAD51 paralog B; plus strand). Cytogenetic location: 14q24.1.
Variant type: single nucleotide variant.
Coding change: c.29G>C on transcript NM_133510.4 (MANE Select); coding-DNA position 29, G replaced by C.
Protein change: p.Gly10Ala; replaces glycine 10 with alanine.
Molecular consequence: missense variant. On other transcripts: 5 prime UTR variant (1).
Genome position (GRCh38, 1-based): chr14:67,823,572, G>C. VCF-style: chr14-67823572-G-C. GRCh37 (hg19) VCF-style: chr14-68290289-G-C.
Other names: c.29G>C, p.Gly10Ala (NM_001321809.2, NM_001321810.2, NM_001321812.1 and 6 more transcripts); c.-427G>C (NM_001321817.2); short protein forms G10A.
Identifiers: ClinVar variation 4575280 (VCV004575280.1).
Genomic context (GRCh38, chr14:67,823,572, plus strand): 5'-TGGTTCTTCTTTTCTTTGCTGGATCTGGAGGCATGGGTAGCAAGAAACTAAAACGAGTGG[G>C]TTTATCACAAGAGCTGTGTGACCGTCTGAGTAGACATCAGATCCTTACCTGTCAGGTAAA-3'
Protein context (NP_598194.1, residues 1-20): MGSKKLKRV[Gly10Ala]LSQELCDRLS